The following is an entry in ClinVar:

ClinVar aggregate classification (germline): Likely pathogenic (1 of 4 stars; one submission).

Conditions:
Agenesis of the corpus callosum with peripheral neuropathy (ACCPN). Also called: CHARLEVOIX DISEASE; HMSN/ACC; Hereditary Motor and Sensory Neuropathy with Agenesis of the Corpus Callosum; POLYNEUROPATHY, SENSORIMOTOR, WITH OR WITHOUT AGENESIS OF THE CORPUS CALLOSUM. Identifiers: Orphanet 1496, MedGen C0795950, MONDO:0000902, OMIM 218000. Disease mechanism: loss of function.

Submission:

Natera, Inc.
Classification: Likely pathogenic for Andermann syndrome. Last evaluated: 2025-09-18. Review status: criteria provided, single submitter. Criteria: Natera Variant Classification Schema (03/2026). Collection method: clinical testing. Allele origin: germline.
Comment: The c.3092del variant in SLC12A6 is a frameshift variant predicted to shift the reading frame beginning at codon 1031 and leads to a stop codon 17 codons downstream. This variant is expected to result in nonsense mediated decay, truncation, or a dysfunctional protein product. This variant is rare in the general population with a frequency below the threshold expected for the associated phenotype(s). Given the available evidence, this variant is classified as Likely Pathogenic.

NM_001365088.1(SLC12A6):c.3092del (p.Gly1031fs)

Gene: SLC12A6 (solute carrier family 12 member 6; minus strand). Cytogenetic location: 15q14.
Variant type: Deletion.
Coding change: c.3092del on transcript NM_001365088.1 (MANE Select); coding-DNA position 3092, one base deleted (G; older notation c.3092delG).
Protein change: p.Gly1031fs; shifts the reading frame from glycine 1031.
Molecular consequence: frameshift variant.
Genome position (GRCh38, 1-based): chr15:34,236,150, C deleted on the plus strand (G on the coding strand, the reverse complement: SLC12A6 is on the minus strand); the first of 2 consecutive C bases (chr15:34,236,150-34,236,151); deleting either gives the same sequence. VCF-style (leftmost placement, unchanged base first): chr15-34236149-GC-G. GRCh37 (hg19) VCF-style: chr15-34528350-GC-G.
Other names: c.2915del, p.Gly972fs (NM_001042494.2, NM_001042495.2); c.3065del, p.Gly1022fs (NM_001042496.2); c.3047del, p.Gly1016fs (NM_001042497.2); c.2939del, p.Gly980fs (NM_005135.2); c.3091delG, p.Gly1031Alafs (NM_133647.1); c.3092del, p.Gly1031fs (NM_133647.2); short protein forms G1016fs, G1022fs, G1031fs, G972fs, G980fs.
Identifiers: ClinVar variation 4816522 (VCV004816522.1).